The following is an entry in ClinVar:

ClinVar aggregate classification (germline): Uncertain significance (1 of 4 stars; one submission).

Conditions:
Branchiootic syndrome 3 (BOS3). Also called: BO SYNDROME 3. Identifiers: MedGen C1842124, MONDO:0012025, OMIM 608389.
Autosomal dominant nonsyndromic hearing loss 23. Identifiers: Orphanet 90635, MedGen C1854594, MONDO:0011519, OMIM 605192.

Submission:

Labcorp Genetics (formerly Invitae), Labcorp
Classification: Uncertain significance for Autosomal dominant nonsyndromic hearing loss 23; Branchiootic syndrome 3. Last evaluated: 2021-09-15. Review status: criteria provided, single submitter. Criteria: Invitae Variant Classification Sherloc (09022015). Collection method: clinical testing. Allele origin: germline.
Comment: This sequence change replaces alanine with serine at codon 39 of the SIX1 protein (p.Ala39Ser). The alanine residue is highly conserved and there is a moderate physicochemical difference between alanine and serine. This variant is not present in population databases (ExAC no frequency). This variant has not been reported in the literature in individuals affected with SIX1-related conditions. Algorithms developed to predict the effect of missense changes on protein structure and function (SIFT, PolyPhen-2, Align-GVGD) all suggest that this variant is likely to be tolerated. In summary, the available evidence is currently insufficient to determine the role of this variant in disease. Therefore, it has been classified as a Variant of Uncertain Significance.

NM_005982.4(SIX1):c.115G>T (p.Ala39Ser)

Gene: SIX1 (SIX homeobox 1; minus strand). Cytogenetic location: 14q23.1.
Variant type: single nucleotide variant.
Coding change: c.115G>T on transcript NM_005982.4 (MANE Select); coding-DNA position 115, G replaced by T.
Protein change: p.Ala39Ser; replaces alanine 39 with serine.
Molecular consequence: missense variant.
Genome position (GRCh38, 1-based): chr14:60,649,075, C>A on the plus strand (G>T on the coding strand, the complement: SIX1 is on the minus strand). VCF-style: chr14-60649075-C-A. GRCh37 (hg19) VCF-style: chr14-61115793-C-A.
Other names: short protein forms A39S.
Identifiers: ClinVar variation 1416539 (VCV001416539.6), dbSNP rs1431824329, ClinGen allele CA389911017.